The following is an entry in ClinVar:

NM_001378477.3(NYX):c.1022G>A (p.Trp341Ter)

Gene: NYX (nyctalopin; plus strand). Cytogenetic location: Xp11.4.
Variant type: single nucleotide variant.
Coding change: c.1022G>A on transcript NM_001378477.3 (MANE Select); coding-DNA position 1022, G replaced by A.
Protein change: p.Trp341Ter; replaces tryptophan 341 with a stop codon.
Molecular consequence: nonsense.
Genome position (GRCh38, 1-based): chrX:41,474,490, G>A. VCF-style: chrX-41474490-G-A. GRCh37 (hg19) VCF-style: chrX-41333743-G-A.
Other names: c.1022G>A, p.Trp341Ter (NM_022567.3); short protein forms W341*.
Identifiers: ClinVar variation 3897185 (VCV003897185.2).

ClinVar aggregate classification (germline): Pathogenic/Likely pathogenic. Review status: criteria provided, multiple submitters, no conflicts (2 of 4 stars). 2 submissions from 2 submitters: Pathogenic (1); Likely pathogenic (1). Last evaluated 2024-10-29.

Conditions:
NYX-related disorder. Also called: NYX-related condition.

Submissions (2):

GeneDx
Classification: Likely pathogenic. Last evaluated: 2024-10-29. Review status: criteria provided, single submitter. Criteria: GeneDx Variant Classification Process June 2021. Collection method: clinical testing. Allele origin: germline. Affected: yes.
Comment: Nonsense variant predicted to result in protein truncation, as the last 136 amino acids are lost, and other loss-of-function variants have been reported downstream; Not observed at significant frequency in large population cohorts (gnomAD); This variant is associated with the following publications: (PMID: 33090715, 30029497)

Blueprint Genetics
Classification: Pathogenic for NYX-related disorders. Last evaluated: 2022-10-17. Review status: criteria provided, single submitter. Criteria: ACMG Guidelines, 2015. Collection method: clinical testing. Allele origin: germline. Affected: yes. Observed: 1 variant allele.